The following is an entry in ClinVar:

NM_058195.4(CDKN2A):c.73_81del (p.Val25_Ile27del)

Gene: CDKN2A (cyclin dependent kinase inhibitor 2A; minus strand). Cytogenetic location: 9p21.3.
Variant type: Deletion.
Coding change: c.73_81del on transcript NM_058195.4 (MANE Plus Clinical); coding-DNA positions 73 to 81, 9 bases deleted (GTTCACATC; older notation c.73_81delGTTCACATC).
Protein change: p.Val25_Ile27del.
Molecular consequence: inframe deletion. On other transcripts: intron variant (1).
Genome position (GRCh38, 1-based): chr9:21,994,251-21,994,259, GATGTGAAC deleted on the plus strand (GTTCACATC on the coding strand, the reverse complement: CDKN2A is on the minus strand). VCF-style (leftmost placement, unchanged base first): chr9-21994250-GGATGTGAAC-G. GRCh37 (hg19) VCF-style: chr9-21994249-GGATGTGAAC-G.
Other names: c.-4+562_-4+570del (NM_001363763.2).
Identifiers: ClinVar variation 3228940 (VCV003228940.1), dbSNP rs2489327662, ClinGen allele CA2825001625.
Genomic context (GRCh38, chr9:21,994,250, plus strand): 5'-TCAGCACGAGGGCCACAGCGGCGGGCGCCCCTGGCGCTGCCCACTCCCCCGTGAGCCGCG[GGATGTGAAC>G]CACGAAAACCCTCACTCGCGGCGGGCCGCACGCGCGCCGAATCCGGAGGGTCACCAAGAA-3'

ClinVar aggregate classification (germline): Uncertain significance (1 of 4 stars; one submission).

Conditions:
Hereditary cancer-predisposing syndrome. Also called: Tumor predisposition; Hereditary Cancer Syndrome; Hereditary neoplastic syndrome; Neoplastic Syndromes, Hereditary. Identifiers: Orphanet 140162, MedGen C0027672, MeSH D009386, MONDO:0015356.

Submission:

Ambry Genetics
Classification: Uncertain significance for Hereditary cancer-predisposing syndrome. Last evaluated: 2023-09-30. Review status: criteria provided, single submitter. Criteria: Ambry Variant Classification Scheme 2023. Collection method: clinical testing. Allele origin: germline.
Comment: The c.73_81delGTTCACATC variant (also known as p.V25_I27del) is located in coding exon 1 of the CDKN2A (p14ARF) gene. This variant results from an in-frame GTTCACATC deletion at nucleotide positions 73 to 81. This results in the in-frame deletion of the valine, histidine and isoleucine residues at codons 25 to 27. This amino acid region is not well conserved in available vertebrate species. In addition, this alteration is predicted to be deleterious by in silico analysis (Choi Y et al. PLoS ONE. 2012; 7(10):e46688). Since supporting evidence is limited at this time, the clinical significance of this alteration remains unclear.